The following is an entry in ClinVar:

ClinVar aggregate classification (germline): Uncertain significance (1 of 4 stars; one submission).

Conditions:
Epidermolysis bullosa simplex 5B, with muscular dystrophy (EBS5B). Also called: EPIDERMOLYSIS BULLOSA SIMPLEX AND LIMB-GIRDLE MUSCULAR DYSTROPHY; Epidermolysis bullosa simplex with muscular dystrophy. Identifiers: Orphanet 257, MedGen C2931072, MONDO:0009181, OMIM 226670.
Epidermolysis bullosa simplex with nail dystrophy (EBS5D). Identifiers: MedGen C4225309, MONDO:0014661, OMIM 616487.
Epidermolysis bullosa simplex, Ogna type (EBS5A). Also called: Pidermolysis bullosa simplex 5A, Ogna type; EPIDERMOLYSIS BULLOSA SIMPLEX 5A, OGNA TYPE. Identifiers: Orphanet 79401, MedGen C0432317, MONDO:0007555, OMIM 131950.
Epidermolysis bullosa simplex 5C, with pyloric atresia (EBS5C). Also called: PLEC-Related Epidermolysis Bullosa with Pyloric Atresia; Epidermolysis bullosa simplex with pyloric atresia; PLEC1-Related Epidermolysis Bullosa with Pyloric Atresia. Identifiers: Orphanet 158684, MedGen C2677349, MONDO:0012807, OMIM 612138.
Autosomal recessive limb-girdle muscular dystrophy type 2Q (LGMDR17). Also called: MUSCULAR DYSTROPHY, LIMB-GIRDLE, AUTOSOMAL RECESSIVE 17. Identifiers: Orphanet 254361, MedGen C3150989, MONDO:0013390, OMIM 613723.

Allele frequency attached by ClinVar (database versions not stated): gnomAD exomes below 0.00001.
gnomAD v4.1: 1 of 1,598,478 alleles (0.000063%); highest among the groups gnomAD compares: East Asian, 0.0022%; no homozygotes.

Submission:

Labcorp Genetics (formerly Invitae), Labcorp
Classification: Uncertain significance for Autosomal recessive limb-girdle muscular dystrophy type 2Q; Epidermolysis bullosa simplex, Ogna type; Epidermolysis bullosa simplex with nail dystrophy; Epidermolysis bullosa simplex 5C, with pyloric atresia; Epidermolysis bullosa simplex 5B, with muscular dystrophy. Last evaluated: 2021-10-31. Review status: criteria provided, single submitter. Criteria: Invitae Variant Classification Sherloc (09022015). Collection method: clinical testing. Allele origin: germline.
Comment: This sequence change replaces lysine, which is basic and polar, with glutamic acid, which is acidic and polar, at codon 1927 of the PLEC protein (p.Lys1927Glu). This variant is not present in population databases (gnomAD no frequency). This variant has not been reported in the literature in individuals affected with PLEC-related conditions. Algorithms developed to predict the effect of missense changes on protein structure and function are either unavailable or do not agree on the potential impact of this missense change (SIFT: "Tolerated"; PolyPhen-2: "Not Available"; Align-GVGD: "Class C0"). In summary, the available evidence is currently insufficient to determine the role of this variant in disease. Therefore, it has been classified as a Variant of Uncertain Significance.

NM_201384.3(PLEC):c.5698A>G (p.Lys1900Glu)

Gene: PLEC (plectin; minus strand). Cytogenetic location: 8q24.3.
Variant type: single nucleotide variant.
Coding change: c.5698A>G on transcript NM_201384.3 (MANE Select); coding-DNA position 5698, A replaced by G.
Protein change: p.Lys1900Glu; replaces lysine 1900 with glutamic acid.
Molecular consequence: missense variant.
Genome position (GRCh38, 1-based): chr8:143,924,231, T>C on the plus strand (A>G on the coding strand, the complement: PLEC is on the minus strand). VCF-style: chr8-143924231-T-C. GRCh37 (hg19) VCF-style: chr8-144998399-T-C.
Other names: c.5779A>G, p.Lys1927Glu (NM_000445.5); c.5656A>G, p.Lys1886Glu (NM_201378.4); c.5632A>G, p.Lys1878Glu (NM_201379.3); c.6109A>G, p.Lys2037Glu (NM_201380.4); c.5602A>G, p.Lys1868Glu (NM_201381.3); c.5698A>G, p.Lys1900Glu (NM_201382.4); c.5710A>G, p.Lys1904Glu (NM_201383.3); short protein forms K1878E, K1927E, K1868E, K1900E, K1886E, K1904E, K2037E.
Identifiers: ClinVar variation 1524779 (VCV001524779.6), dbSNP rs2131381770, ClinGen allele CA372542437.
Genomic context (GRCh38, chr8:143,924,231, plus strand): 5'-GCTGCCTCAGCGTGTCCTCCACCAGCCCCTTCTGCCGCTCCAGCTCGCTGTCCGATGCCT[T>C]GCGCAGCTGGGCCAGGCGCTCCTCGATGTCAGCCTTGTGTTGCGCGGCCTGCTCCTCCAG-3'
Protein context (NP_958786.1, residues 1890-1910): DIEERLAQLR[Lys1900Glu]ASDSELERQK